The following is an entry in ClinVar:

ClinVar aggregate classification (germline): Uncertain significance (1 of 4 stars; one submission).

Conditions:
Hereditary cancer-predisposing syndrome. Also called: Neoplastic Syndromes, Hereditary; Tumor predisposition; Hereditary neoplastic syndrome; Hereditary Cancer Syndrome. Identifiers: Orphanet 140162, MedGen C0027672, MeSH D009386, MONDO:0015356.

Submission:

Ambry Genetics
Classification: Uncertain significance for Hereditary cancer-predisposing syndrome. Last evaluated: 2026-07-06. Review status: criteria provided, single submitter. Criteria: Ambry Variant Classification Scheme 2023. Collection method: clinical testing. Allele origin: germline.
Comment: The p.D156H variant (also known as c.466G>C), located in coding exon 2 of the BLM gene, results from a G to C substitution at nucleotide position 466. The aspartic acid at codon 156 is replaced by histidine, an amino acid with similar properties. This amino acid position is conserved. In addition, this alteration is predicted to be deleterious by in silico analysis. Based on the available evidence, the clinical significance of this variant remains unclear.

NM_000057.4(BLM):c.466G>C (p.Asp156His)

Gene: BLM (BLM RecQ like helicase; plus strand). Cytogenetic location: 15q26.1.
Variant type: single nucleotide variant.
Coding change: c.466G>C on transcript NM_000057.4 (MANE Select); coding-DNA position 466, G replaced by C.
Protein change: p.Asp156His; replaces aspartic acid 156 with histidine.
Molecular consequence: missense variant. On other transcripts: 5 prime UTR variant (1).
Genome position (GRCh38, 1-based): chr15:90,749,734, G>C. VCF-style: chr15-90749734-G-C. GRCh37 (hg19) VCF-style: chr15-91292964-G-C.
Other names: c.466G>C, p.Asp156His (NM_001287246.2, NM_001287247.2); c.-826G>C (NM_001287248.2); short protein forms D156H.
Identifiers: ClinVar variation 5032888 (VCV005032888.1).